The following is an entry in ClinVar:

ClinVar aggregate classification (germline): Uncertain significance. Review status: criteria provided, multiple submitters, no conflicts (2 of 4 stars). 3 submissions from 3 submitters: Uncertain significance (3). Last evaluated 2026-05-14.

Conditions:
SAMD9L-related disorder. Also called: SAMD9L-related condition; SAMD9L-related disorders.
Inborn genetic diseases. Identifiers: MedGen C0950123, MeSH D030342.

gnomAD v4.1: 3 of 1,613,380 alleles (0.00019%); highest among the groups gnomAD compares: Non-Finnish European, 0.00025%; no homozygotes.

Submissions (3):

PreventionGenetics, part of Exact Sciences
Classification: Uncertain significance for SAMD9L-related condition. Last evaluated: 2026-05-14. Review status: criteria provided, single submitter. Criteria: ACMG Guidelines, 2015. Collection method: clinical testing. Allele origin: germline.
Comment: The SAMD9L c.3956A>G variant is predicted to result in the amino acid substitution p.Glu1319Gly. To our knowledge, this variant has not been reported in the literature or in a large population database (gnomAD), indicating this variant is rare. At this time, the clinical significance of this variant is uncertain due to the absence of conclusive functional and genetic evidence.

Labcorp Genetics (formerly Invitae), Labcorp
Classification: Uncertain significance. Last evaluated: 2025-04-09. Review status: criteria provided, single submitter. Criteria: Invitae Variant Classification Sherloc (09022015). Collection method: clinical testing. Allele origin: germline.
Comment: This sequence change replaces glutamic acid, which is acidic and polar, with glycine, which is neutral and non-polar, at codon 1319 of the SAMD9L protein (p.Glu1319Gly). This variant is not present in population databases (gnomAD no frequency). This variant has not been reported in the literature in individuals affected with SAMD9L-related conditions. ClinVar contains an entry for this variant (Variation ID: 2904839). Invitae Evidence Modeling of protein sequence and biophysical properties (such as structural, functional, and spatial information, amino acid conservation, physicochemical variation, residue mobility, and thermodynamic stability) indicates that this missense variant is not expected to disrupt SAMD9L protein function with a negative predictive value of 80%. In summary, the available evidence is currently insufficient to determine the role of this variant in disease. Therefore, it has been classified as a Variant of Uncertain Significance.

Ambry Genetics
Classification: Uncertain significance for Inborn genetic diseases. Last evaluated: 2024-11-17. Review status: criteria provided, single submitter. Criteria: Ambry Variant Classification Scheme 2023. Collection method: clinical testing. Allele origin: germline.
Comment: The p.E1319G variant (also known as c.3956A>G), located in coding exon 1 of the SAMD9L gene, results from an A to G substitution at nucleotide position 3956. The glutamic acid at codon 1319 is replaced by glycine, an amino acid with similar properties. This amino acid position is conserved. In addition, this alteration is predicted to be tolerated by in silico analysis. Based on the available evidence, the clinical significance of this variant remains unclear.

NM_152703.5(SAMD9L):c.3956A>G (p.Glu1319Gly)

Gene: SAMD9L (sterile alpha motif domain containing 9 like; minus strand). Cytogenetic location: 7q21.2.
Variant type: single nucleotide variant.
Coding change: c.3956A>G on transcript NM_152703.5 (MANE Select); coding-DNA position 3956, A replaced by G.
Protein change: p.Glu1319Gly; replaces glutamic acid 1319 with glycine.
Molecular consequence: missense variant.
Genome position (GRCh38, 1-based): chr7:93,132,016, T>C on the plus strand (A>G on the coding strand, the complement: SAMD9L is on the minus strand). VCF-style: chr7-93132016-T-C. GRCh37 (hg19) VCF-style: chr7-92761329-T-C.
Other names: c.3956A>G (NM_152703.2, NM_152703.3); c.3956A>G, p.Glu1319Gly (NM_001303496.3, NM_001303497.3, NM_001303498.3 and 5 more transcripts); short protein forms E1319G.
Identifiers: ClinVar variation 2904839 (VCV002904839.5), dbSNP rs963309607, ClinGen allele CA368178666.
Genomic context (GRCh38, chr7:93,132,016, plus strand): 5'-CTATCTGCTCTCAGAGCTTCTAGCTTTTTCCTGCAATTCTCCTCCTGGAGTAATTGACTC[T>C]CTTTACTTTGTAATAGACATGGATCCAAATGACAGAAAAGTTCTGTGTATTTCCTGAAAC-3'
Protein context (NP_689916.2, residues 1309-1329): HLDPCLLQSK[Glu1319Gly]SQLLQEENCR